The following is an entry in ClinVar:

ClinVar aggregate classification (germline): Uncertain significance (1 of 4 stars; one submission).

Submission:

Ambry Genetics
Classification: Uncertain significance. Last evaluated: 2025-08-20. Review status: criteria provided, single submitter. Criteria: Ambry Variant Classification Scheme 2023. Collection method: clinical testing. Allele origin: germline.
Comment: The p.Q580H variant (also known as c.1740G>C), located in coding exon 7 of the WNK2 gene, results from a G to C substitution at nucleotide position 1740. The glutamine at codon 580 is replaced by histidine, an amino acid with highly similar properties. This amino acid position is conserved. In addition, this alteration is predicted to be tolerated by in silico analysis. Based on the available evidence, the clinical significance of this variant remains unclear.

NM_006648.4(WNK2):c.1740G>C (p.Gln580His)

Gene: WNK2 (WNK lysine deficient protein kinase 2; plus strand). Cytogenetic location: 9q22.31.
Variant type: single nucleotide variant.
Coding change: c.1740G>C on transcript NM_006648.4 (MANE Select); coding-DNA position 1740, G replaced by C.
Protein change: p.Gln580His; replaces glutamine 580 with histidine.
Molecular consequence: missense variant.
Genome position (GRCh38, 1-based): chr9:93,247,740, G>C. VCF-style: chr9-93247740-G-C. GRCh37 (hg19) VCF-style: chr9-96010022-G-C.
Other names: c.1740G>C, p.Gln580His (NM_001282394.3); short protein forms Q580H.
Identifiers: ClinVar variation 4201766 (VCV004201766.1).